The following is an entry in ClinVar:

NC_000001.10:g.(?_216138639)_(216405498_?)dup

Gene: USH2A (usherin; minus strand). Cytogenetic location: 1q41.
Variant type: Duplication.
Identifiers: ClinVar variation 1413061 (VCV001413061.6).

ClinVar aggregate classification (germline): Uncertain significance (1 of 4 stars; one submission).

Submission:

Labcorp Genetics (formerly Invitae), Labcorp
Classification: Uncertain significance. Last evaluated: 2021-04-05. Review status: criteria provided, single submitter. Criteria: Invitae Variant Classification Sherloc (09022015). Collection method: clinical testing. Allele origin: germline.
Comment: In summary, the available evidence is currently insufficient to determine the role of this variant in disease. Therefore, it has been classified as a Variant of Uncertain Significance. Experimental studies and prediction algorithms are not available or were not evaluated, and the functional significance of this variant is currently unknown. This variant has been observed in individual(s) with Usher syndrome (Invitae). This variant results in a copy number gain of the genomic region encompassing exon(s) 14-37 of the USH2A gene. While the exact position of this variant cannot be determined from the data, sub-genic copy number gains are generally in tandem (PMID: 25640679). This variant is predicted to be in-frame, and likely preserves the integrity of the reading frame.

Literature cited by the submitters: PubMed 25640679.